The following is an entry in ClinVar:

NM_025137.4(SPG11):c.6685C>A (p.Arg2229=)

Gene: SPG11 (SPG11 vesicle trafficking associated, spatacsin; minus strand). Cytogenetic location: 15q21.1.
Variant type: single nucleotide variant.
Coding change: c.6685C>A on transcript NM_025137.4 (MANE Select); coding-DNA position 6685, C replaced by A.
Protein change: p.Arg2229=; no amino-acid change (arginine 2229 retained).
Molecular consequence: synonymous variant.
Genome position (GRCh38, 1-based): chr15:44,567,493, G>T on the plus strand (C>A on the coding strand, the complement: SPG11 is on the minus strand). VCF-style: chr15-44567493-G-T. GRCh37 (hg19) VCF-style: chr15-44859691-G-T.
Other names: c.6346C>A, p.Arg2116= (NM_001160227.2).
Identifiers: ClinVar variation 534858 (VCV000534858.11), dbSNP rs751245734, ClinGen allele CA270059985.
Genomic context (GRCh38, chr15:44,567,493, plus strand): 5'-GAGACTCAATCAATTTCAGTTGGATGCGGGCAGCTGCCTCGTGGTTCTCGCCAATCTCCC[G>T]GCACATGCTGAAGCACAGGGCAATCATATTGTGCTTTTCACTGTCTCCAGGACGGCAGCG-3'
Protein context (NP_079413.3, residues 2219-2239): NMIALCFSMC[Arg2229=]EIGENHEAAA

ClinVar aggregate classification (germline): Likely benign. Review status: criteria provided, multiple submitters, no conflicts (2 of 4 stars). 3 submissions from 3 submitters: Likely benign (3). Last evaluated 2025-12-22.

Conditions:
Hereditary spastic paraplegia 11. Also called: Spastic Paraplegia 11; Spastic paraplegia, mental retardation and thin corpus callosum; Nakamura Osame syndrome; Autosomal recessive hereditary spastic paraplegia, mental impairment, and thin corpus callosum; SPASTIC PARAPLEGIA, AUTOSOMAL RECESSIVE, COMPLICATED, WITH THIN CORPUS CALLOSUM; SPASTIC PARAPLEGIA, AUTOSOMAL RECESSIVE, WITH MENTAL IMPAIRMENT AND THIN CORPUS CALLOSUM. Identifiers: Orphanet 2822, MedGen C1858479, MONDO:0011445, OMIM 604360.
Inborn genetic diseases. Identifiers: MedGen C0950123, MeSH D030342.
SPG11-related disorder. Also called: SPG11-related condition.

gnomAD v4.1: 35 of 1,613,950 alleles (0.0022%); highest among the groups gnomAD compares: Non-Finnish European, 0.003%; no homozygotes.

Submissions (3):

PreventionGenetics, part of Exact Sciences
Classification: Likely benign for SPG11-related condition. Last evaluated: 2025-12-22. Review status: criteria provided, single submitter. Criteria: ACMG Guidelines, 2015. Collection method: clinical testing. Allele origin: germline.
Comment: This variant is classified as likely benign based on ACMG/AMP sequence variant interpretation guidelines (Richards et al. 2015 PMID: 25741868, with internal and published modifications).

Labcorp Genetics (formerly Invitae), Labcorp
Classification: Likely benign for Hereditary spastic paraplegia 11. Last evaluated: 2025-03-26. Review status: criteria provided, single submitter. Criteria: Invitae Variant Classification Sherloc (09022015). Collection method: clinical testing. Allele origin: germline.

Ambry Genetics
Classification: Likely benign for Inborn genetic diseases. Last evaluated: 2019-07-11. Review status: criteria provided, single submitter. Criteria: Ambry Variant Classification Scheme 2023. Collection method: clinical testing. Allele origin: germline.